The following is an entry in ClinVar:

ClinVar aggregate classification (germline): Uncertain significance. Review status: criteria provided, multiple submitters, no conflicts (2 of 4 stars). 2 submissions from 2 submitters: Uncertain significance (2). Last evaluated 2020-10-01.

Conditions:
Autosomal recessive polycystic kidney disease (ARPKD). Also called: AR polycystic kidney disease. Identifiers: Orphanet 731, Orphanet 8378, MedGen C0085548, MeSH D017044, MONDO:0009889.

Allele frequency attached by ClinVar (database versions not stated): gnomAD exomes below 0.00001.
gnomAD v4.1: 3 of 1,613,870 alleles (0.00019%); highest among the groups gnomAD compares: Non-Finnish European, 0.00025%; no homozygotes.

Submissions (2):

Labcorp Genetics (formerly Invitae), Labcorp
Classification: Uncertain significance for Autosomal recessive polycystic kidney disease. Last evaluated: 2020-10-01. Review status: criteria provided, single submitter. Criteria: Invitae Variant Classification Sherloc (09022015). Collection method: clinical testing. Allele origin: germline.
Comment: In summary, the available evidence is currently insufficient to determine the role of this variant in disease. Therefore, it has been classified as a Variant of Uncertain Significance. This variant disrupts the p.Pro1791Leu amino acid residue in PKHD1. Other variant(s) that disrupt this residue have been observed in individuals with PKHD1-related conditions (PMID: 19940839), which suggests that this may be a clinically significant amino acid residue. Algorithms developed to predict the effect of missense changes on protein structure and function (SIFT, PolyPhen-2, Align-GVGD) all suggest that this variant is likely to be tolerated, but these predictions have not been confirmed by published functional studies and their clinical significance is uncertain. This variant has been observed in individual(s) with polycystic kidney disease (Invitae). In at least one individual the data is consistent with the variant being in trans (on the opposite chromosome) from a pathogenic variant. ClinVar contains an entry for this variant (Variation ID: 968085). This variant is not present in population databases (ExAC no frequency). This sequence change replaces proline with histidine at codon 1791 of the PKHD1 protein (p.Pro1791His). The proline residue is moderately conserved and there is a moderate physicochemical difference between proline and histidine.

Blueprint Genetics
Classification: Uncertain significance. Last evaluated: 2019-05-13. Review status: criteria provided, single submitter. Criteria: ACMG Guidelines, 2015. Collection method: clinical testing. Allele origin: germline.

Literature cited by the submitters: PubMed 19940839 (cited by Labcorp Genetics (formerly Invitae), Labcorp).

NM_138694.4(PKHD1):c.5372C>A (p.Pro1791His)

Gene: PKHD1 (PKHD1 ciliary IPT domain containing fibrocystin/polyductin; minus strand). Cytogenetic location: 6p12.2.
Variant type: single nucleotide variant.
Coding change: c.5372C>A on transcript NM_138694.4 (MANE Select); coding-DNA position 5372, C replaced by A.
Protein change: p.Pro1791His; replaces proline 1791 with histidine.
Molecular consequence: missense variant.
Genome position (GRCh38, 1-based): chr6:52,022,809, G>T on the plus strand (C>A on the coding strand, the complement: PKHD1 is on the minus strand). VCF-style: chr6-52022809-G-T. GRCh37 (hg19) VCF-style: chr6-51887607-G-T.
Other names: c.5372C>A, p.Pro1791His (NM_170724.3); short protein forms P1791H.
Identifiers: ClinVar variation 968085 (VCV000968085.9), dbSNP rs886042677, ClinGen allele CA364427421.